The following is an entry in ClinVar:

NM_000111.3(SLC26A3):c.2211del (p.Asp738fs)

Gene: SLC26A3 (solute carrier family 26 member 3; minus strand). Cytogenetic location: 7q22.3.
Variant type: Deletion.
Coding change: c.2211del on transcript NM_000111.3 (MANE Select); coding-DNA position 2211, one base deleted (A; older notation c.2211delA).
Protein change: p.Asp738fs; shifts the reading frame from aspartic acid 738.
Molecular consequence: frameshift variant.
Genome position (GRCh38, 1-based): chr7:107,767,639, T deleted on the plus strand (A on the coding strand, the reverse complement: SLC26A3 is on the minus strand); the first of 5 consecutive T bases (chr7:107,767,639-107,767,643); deleting any one gives the same sequence. VCF-style (leftmost placement, unchanged base first): chr7-107767638-CT-C. GRCh37 (hg19) VCF-style: chr7-107408083-CT-C.
Other names: short protein forms D738fs.
Identifiers: ClinVar variation 1312770 (VCV001312770.2), dbSNP rs2115782370, ClinGen allele CA2573052794.

ClinVar aggregate classification (germline): Uncertain significance (1 of 4 stars; one submission).

Submission:

GeneDx
Classification: Uncertain significance. Last evaluated: 2020-06-19. Review status: criteria provided, single submitter. Criteria: GeneDx Variant Classification Process June 2021. Collection method: clinical testing. Allele origin: germline. Affected: yes.
Comment: Not observed in large population cohorts (Lek et al., 2016); Frameshift variant predicted to result in protein truncation as the last 27 amino acids are replaced with 7 different amino acids, although loss-of-function variants have not been reported downstream of this position in the protein; Has not been previously published as pathogenic or benign to our knowledge